The following is an entry in ClinVar:

ClinVar aggregate classification (germline): Likely benign (1 of 4 stars; one submission).

Conditions:
MRAP2-related disorder. Also called: MRAP2-related condition.

gnomAD v4.1: 12 of 1,613,504 alleles (0.00074%); highest among the groups gnomAD compares: Non-Finnish European, 0.00093%; no homozygotes.

Submission:

PreventionGenetics, part of Exact Sciences
Classification: Likely benign for MRAP2-related condition. Last evaluated: 2025-12-23. Review status: criteria provided, single submitter. Criteria: ACMG Guidelines, 2015. Collection method: clinical testing. Allele origin: germline.
Comment: This variant is classified as likely benign based on ACMG/AMP sequence variant interpretation guidelines (Richards et al. 2015 PMID: 25741868, with internal and published modifications).

NM_138409.4(MRAP2):c.594G>A (p.Gln198=)

Gene: MRAP2 (melanocortin 2 receptor accessory protein 2; plus strand). Cytogenetic location: 6q14.2.
Variant type: single nucleotide variant.
Coding change: c.594G>A on transcript NM_138409.4 (MANE Select); coding-DNA position 594, G replaced by A.
Protein change: p.Gln198=; no amino-acid change (glutamine 198 retained).
Molecular consequence: synonymous variant.
Genome position (GRCh38, 1-based): chr6:84,089,457, G>A. VCF-style: chr6-84089457-G-A. GRCh37 (hg19) VCF-style: chr6-84799176-G-A.
Other names: c.336G>A, p.Gln112= (NM_001346541.2); c.594G>A, p.Gln198= (NM_001346542.2, NM_001346544.2); c.429G>A, p.Gln143= (NM_001346543.2).
Identifiers: ClinVar variation 4980199 (VCV004980199.1).